The following is an entry in ClinVar:

ClinVar aggregate classification (germline): Likely benign (1 of 4 stars; one submission).

Conditions:
Pontocerebellar hypoplasia type 2D (PCH2D). Also called: Progressive cerebello-cerebral atrophy. Identifiers: Orphanet 247198, Orphanet 2524, MedGen C3151140, MONDO:0013438, OMIM 613811.

Allele frequency attached by ClinVar (database versions not stated): gnomAD exomes 0.00106; gnomAD 0.01718 and 0.01839; TOPMed 0.01967; 1000 Genomes Project 0.02097; 1000 Genomes Project 30x 0.02171.
gnomAD v4.1: 2,593 of 153,178 alleles (1.7%); highest among the groups gnomAD compares: African/African-American, 5.9%; 69 homozygotes.

Submission:

Illumina Laboratory Services, Illumina
Classification: Likely benign for Pontocerebellar hypoplasia type 2D. Last evaluated: 2017-04-27. Review status: criteria provided, single submitter. Criteria: ICSL Variant Classification Criteria 13 December 2019. Collection method: clinical testing. Allele origin: germline.
Comment: This variant was observed as part of a predisposition screen in an ostensibly healthy population. A literature search was performed for the gene, cDNA change, and amino acid change (where applicable). No publications were found based on this search. Allele frequency data from public databases allowed determination this variant is unlikely to cause disease. Therefore, this variant is classified as likely benign.

NM_016955.4(SEPSECS):c.*638G>C

Gene: SEPSECS (Sep (O-phosphoserine) tRNA:Sec (selenocysteine) tRNA synthase; minus strand). Cytogenetic location: 4p15.2.
Variant type: single nucleotide variant.
Coding change: c.*638G>C on transcript NM_016955.4 (MANE Select); 638 bases downstream of the stop codon, G replaced by C.
Molecular consequence: 3 prime UTR variant.
Genome position (GRCh38, 1-based): chr4:25,123,293, C>G on the plus strand (G>C on the coding strand, the complement: SEPSECS is on the minus strand). VCF-style: chr4-25123293-C-G. GRCh37 (hg19) VCF-style: chr4-25124915-C-G.
Identifiers: ClinVar variation 348538 (VCV000348538.5), dbSNP rs10004441, ClinGen allele CA10617661.